The following is an entry in ClinVar:

NM_014795.4(ZEB2):c.1969T>C (p.Ser657Pro)

Gene: ZEB2 (zinc finger E-box binding homeobox 2; minus strand). Cytogenetic location: 2q22.3.
Variant type: single nucleotide variant.
Coding change: c.1969T>C on transcript NM_014795.4 (MANE Select); coding-DNA position 1969, T replaced by C.
Protein change: p.Ser657Pro; replaces serine 657 with proline.
Molecular consequence: missense variant.
Genome position (GRCh38, 1-based): chr2:144,399,218, A>G on the plus strand (T>C on the coding strand, the complement: ZEB2 is on the minus strand). VCF-style: chr2-144399218-A-G. GRCh37 (hg19) VCF-style: chr2-145156785-A-G.
Other names: c.1897T>C, p.Ser633Pro (NM_001171653.2); short protein forms S633P, S657P.
Identifiers: ClinVar variation 1805994 (VCV001805994.1), dbSNP rs2549106349, ClinGen allele CA348709483.

ClinVar aggregate classification (germline): Uncertain significance (1 of 4 stars; one submission).

Conditions:
Mowat-Wilson syndrome (MOWS). Also called: Classic Mowat-Wilson Syndrome. Identifiers: Orphanet 2152, MedGen C1856113, MONDO:0009341, OMIM 235730.

Submission:

Victorian Clinical Genetics Services, Murdoch Childrens Research Institute
Classification: Uncertain significance for Mowat-Wilson syndrome. Last evaluated: 2022-09-02. Review status: criteria provided, single submitter. Criteria: ACMG Guidelines, 2015. Collection method: clinical testing. Allele origin: germline. Inheritance: Autosomal dominant inheritance. Affected: yes.
Comment: Based on the classification scheme VCGS_Germline_v1.3.4, this variant is classified as VUS-3A. Following criteria are met: 0102 - Loss of function is a known mechanism of disease in this gene and is associated with Mowat-Wilson syndrome (MIM#235730). (I) 0107 - This gene is associated with autosomal dominant disease. (I) 0200 - Variant is predicted to result in a missense amino acid change from serine to proline. (I) 0251 - This variant is heterozygous. (I) 0301 - Variant is absent from gnomAD (both v2 and v3). (SP) 0502 - Missense variant with conflicting in silico predictions and high conservation. (I) 0600 - Variant is located in the annotated DNA binding region (DECIPHER). (I) 0710 - Another missense variant comparable to the one identified in this case has inconclusive previous evidence for pathogenicity. p.(Ser657Phe) has been classified as a VUS in an individual with Hirschsprung disease in the literature (PMID: 31130284). (I) 0807 - This variant has no previous evidence of pathogenicity. (I) 0905 - No published segregation evidence has been identified for this variant. (I) 1007 - No published functional evidence has been identified for this variant. (SP) Legend: (SP) - Supporting pathogenic, (I) - Information, (SB) - Supporting benign

Literature cited by the submitters: PubMed 31130284.